The following is an entry in ClinVar:

ClinVar aggregate classification (germline): Uncertain significance (1 of 4 stars; one submission).

Allele frequency attached by ClinVar (database versions not stated): TOPMed 0.00002.
gnomAD v4.1: 28 of 1,612,474 alleles (0.0017%); highest among the groups gnomAD compares: South Asian, 0.0011%; no homozygotes.

Submission:

Labcorp Genetics (formerly Invitae), Labcorp
Classification: Uncertain significance. Last evaluated: 2022-02-24. Review status: criteria provided, single submitter. Criteria: Invitae Variant Classification Sherloc (09022015). Collection method: clinical testing. Allele origin: germline.
Comment: This sequence change replaces proline, which is neutral and non-polar, with arginine, which is basic and polar, at codon 1109 of the KIAA1549 protein (p.Pro1109Arg). This variant is present in population databases (rs532793851, gnomAD 0.09%). This variant has not been reported in the literature in individuals affected with KIAA1549-related conditions. ClinVar contains an entry for this variant (Variation ID: 940177). Algorithms developed to predict the effect of missense changes on protein structure and function are either unavailable or do not agree on the potential impact of this missense change (SIFT: "Deleterious"; PolyPhen-2: "Probably Damaging"; Align-GVGD: "Class C0"). In summary, the available evidence is currently insufficient to determine the role of this variant in disease. Therefore, it has been classified as a Variant of Uncertain Significance.

NM_001164665.2(KIAA1549):c.3326C>G (p.Pro1109Arg)

Gene: KIAA1549 (KIAA1549; minus strand). Cytogenetic location: 7q34.
Variant type: single nucleotide variant.
Coding change: c.3326C>G on transcript NM_001164665.2 (MANE Select); coding-DNA position 3326, C replaced by G.
Protein change: p.Pro1109Arg; replaces proline 1109 with arginine.
Molecular consequence: missense variant.
Genome position (GRCh38, 1-based): chr7:138,907,053, G>C on the plus strand (C>G on the coding strand, the complement: KIAA1549 is on the minus strand). VCF-style: chr7-138907053-G-C. GRCh37 (hg19) VCF-style: chr7-138591799-G-C.
Other names: c.3326C>G, p.Pro1109Arg (NM_020910.3); short protein forms P1109R.
Identifiers: ClinVar variation 940177 (VCV000940177.7), dbSNP rs532793851, ClinGen allele CA4506239.